The following is an entry in ClinVar:

NM_005502.4(ABCA1):c.5406C>A (p.Ile1802=)

Gene: ABCA1 (ATP binding cassette subfamily A member 1; minus strand). Cytogenetic location: 9q31.1.
Variant type: single nucleotide variant.
Coding change: c.5406C>A on transcript NM_005502.4 (MANE Select); coding-DNA position 5406, C replaced by A.
Protein change: p.Ile1802=; no amino-acid change (isoleucine 1802 retained).
Molecular consequence: synonymous variant.
Genome position (GRCh38, 1-based): chr9:104,794,487, G>T on the plus strand (C>A on the coding strand, the complement: ABCA1 is on the minus strand). VCF-style: chr9-104794487-G-T. GRCh37 (hg19) VCF-style: chr9-107556768-G-T.
Other names: p.Ile1802=.
Identifiers: ClinVar variation 1579804 (VCV001579804.11), dbSNP rs141980942, ClinGen allele CA5167831.

ClinVar aggregate classification (germline): Likely benign. Review status: criteria provided, multiple submitters, no conflicts (2 of 4 stars). 3 submissions from 3 submitters: Likely benign (3). Last evaluated 2025-11-01.

Conditions:
Cardiovascular phenotype. Identifiers: MedGen CN230736.

Allele frequency attached by ClinVar (database versions not stated): 1000 Genomes Project 0.00020; ESP Exome Variant Server 0.00031; 1000 Genomes Project 30x 0.00062.
gnomAD v4.1: 81 of 1,146,054 alleles (0.0071%); highest among the groups gnomAD compares: African/African-American, 0.12%; no homozygotes.

Submissions (3):

Labcorp Genetics (formerly Invitae), Labcorp
Classification: Likely benign. Last evaluated: 2025-11-01. Review status: criteria provided, single submitter. Criteria: Invitae Variant Classification Sherloc (09022015). Collection method: clinical testing. Allele origin: germline.

Mayo Clinic Laboratories, Mayo Clinic
Classification: Likely benign. Last evaluated: 2025-10-12. Review status: criteria provided, single submitter. Criteria: ACMG Guidelines, 2015. Collection method: clinical testing. Allele origin: germline. Observed: 1 variant allele.
Comment: BP4, BP7

Ambry Genetics
Classification: Likely benign for Cardiovascular phenotype. Last evaluated: 2022-04-03. Review status: criteria provided, single submitter. Criteria: Ambry Variant Classification Scheme 2023. Collection method: clinical testing. Allele origin: germline.